The following is an entry in ClinVar:

ClinVar aggregate classification (germline): Uncertain significance (1 of 4 stars; one submission).

gnomAD v4.1: 4 of 1,614,076 alleles (0.00025%); highest among the groups gnomAD compares: Non-Finnish European, 0.00034%; no homozygotes.

Submission:

Ambry Genetics
Classification: Uncertain significance. Last evaluated: 2026-07-12. Review status: criteria provided, single submitter. Criteria: Ambry Variant Classification Scheme 2023. Collection method: clinical testing. Allele origin: germline.
Comment: The p.N250D variant (also known as c.748A>G), located in coding exon 1 of the TET2 gene, results from an A to G substitution at nucleotide position 748. The asparagine at codon 250 is replaced by aspartic acid, an amino acid with highly similar properties. This amino acid position is conserved. In addition, this alteration is predicted to be tolerated by in silico analysis. Based on the available evidence, the clinical significance of this variant remains unclear.

NM_001127208.3(TET2):c.748A>G (p.Asn250Asp)

Genes: TET2 (tet methylcytosine dioxygenase 2; plus strand), TET2-AS1 (TET2 antisense RNA 1; minus strand). Cytogenetic location: 4q24.
Variant type: single nucleotide variant.
Coding change: c.748A>G on transcript NM_001127208.3 (MANE Select); coding-DNA position 748, A replaced by G.
Protein change: p.Asn250Asp; replaces asparagine 250 with aspartic acid.
Molecular consequence: missense variant.
Genome position (GRCh38, 1-based): chr4:105,234,690, A>G. VCF-style: chr4-105234690-A-G. GRCh37 (hg19) VCF-style: chr4-106155847-A-G.
Other names: c.748A>G, p.Asn250Asp (NM_017628.4); short protein forms N250D.
Identifiers: ClinVar variation 5030709 (VCV005030709.1).